The following is an entry in ClinVar:

NM_004369.4(COL6A3):c.2066C>T (p.Thr689Met)

Gene: COL6A3 (collagen type VI alpha 3 chain; minus strand). Cytogenetic location: 2q37.3.
Variant type: single nucleotide variant.
Coding change: c.2066C>T on transcript NM_004369.4 (MANE Select); coding-DNA position 2066, C replaced by T.
Protein change: p.Thr689Met; replaces threonine 689 with methionine.
Molecular consequence: missense variant. On other transcripts: intron variant (1).
Genome position (GRCh38, 1-based): chr2:237,379,067, G>A on the plus strand (C>T on the coding strand, the complement: COL6A3 is on the minus strand). VCF-style: chr2-237379067-G-A. GRCh37 (hg19) VCF-style: chr2-238287710-G-A.
Other names: c.845C>T, p.Thr282Met (NM_057164.5); c.1448C>T, p.Thr483Met (NM_057165.5, NM_057167.4); c.677-1723C>T (NM_057166.5); short protein forms T689M, T483M, T282M.
Identifiers: ClinVar variation 652073 (VCV000652073.20), dbSNP rs762162177, ClinGen allele CA2189486.

ClinVar aggregate classification (germline): Conflicting classifications of pathogenicity. Review status: criteria provided, conflicting classifications (1 of 4 stars). 5 submissions from 5 submitters: Uncertain significance (4); Likely benign (1). Last evaluated 2025-10-22.

Conditions:
Bethlem myopathy 1A. Also called: Bethlem Muscular Dystrophy; Bethlem myopathy 1; MYOPATHY, BENIGN CONGENITAL, WITH CONTRACTURES. Identifiers: Orphanet 610, MedGen CN029274, MONDO:0024530, OMIM 158810.
Inborn genetic diseases. Identifiers: MedGen C0950123, MeSH D030342.

Allele frequency attached by ClinVar (database versions not stated): gnomAD exomes 0.00001 and 0.00003; ExAC 0.00003; gnomAD 0.00003 and 0.00004; TOPMed 0.00003.
gnomAD v4.1: 26 of 1,614,042 alleles (0.0016%); highest among the groups gnomAD compares: Admixed American, 0.015%; no homozygotes.

Submissions (5):

Labcorp Genetics (formerly Invitae), Labcorp
Classification: Likely benign for Bethlem myopathy 1A. Last evaluated: 2025-10-22. Review status: criteria provided, single submitter. Criteria: Invitae Variant Classification Sherloc (09022015). Collection method: clinical testing. Allele origin: germline.

Women's Health and Genetics/Laboratory Corporation of America, LabCorp
Classification: Uncertain significance. Last evaluated: 2025-10-15. Review status: criteria provided, single submitter. Criteria: LabCorp Variant Classification Summary - May 2015. Collection method: clinical testing. Allele origin: germline.
Comment: Variant summary: COL6A3 c.2066C>T (p.Thr689Met) results in a non-conservative amino acid change in the encoded protein sequence. Algorithms developed to predict the effect of missense changes on protein structure and function all suggest that this variant is likely to be disruptive. The variant allele was found at a frequency of 2.8e-05 in 251408 control chromosomes. The available data on variant occurrences in the general population are insufficient to allow any conclusion about variant significance. To our knowledge, no occurrence of c.2066C>T in individuals affected with COL6A3-related conditions and no experimental evidence demonstrating its impact on protein function have been reported. The following publication has been ascertained in the context of this evaluation (PMID: 26566670). ClinVar contains an entry for this variant (Variation ID: 652073). Based on the evidence outlined above, the variant was classified as uncertain significance.

GeneDx
Classification: Uncertain significance. Last evaluated: 2024-11-20. Review status: criteria provided, single submitter. Criteria: GeneDx Variant Classification Process June 2021. Collection method: clinical testing. Allele origin: germline. Affected: yes.
Comment: Has not been previously published as pathogenic or benign to our knowledge; In silico analysis supports that this missense variant has a deleterious effect on protein structure/function

Ambry Genetics
Classification: Uncertain significance for Inborn genetic diseases. Last evaluated: 2024-02-05. Review status: criteria provided, single submitter. Criteria: Ambry Variant Classification Scheme 2023. Collection method: clinical testing. Allele origin: germline.

Revvity Omics, Revvity
Classification: Uncertain significance. Last evaluated: 2019-08-12. Review status: criteria provided, single submitter. Criteria: ACMG Guidelines, 2015. Collection method: clinical testing. Allele origin: germline.

Literature cited by the submitters: PubMed 26566670 (cited by Women's Health and Genetics/Laboratory Corporation of America, LabCorp).